The following is an entry in ClinVar:

ClinVar aggregate classification (germline): Likely benign. Review status: criteria provided, single submitter (1 of 4 stars). 2 submissions from 2 submitters: Likely benign (1). 1 of the submissions does not count toward it. Last evaluated 2018-07-27.

Conditions:
FGD1-related disorder. Also called: FGD1-related condition; FGD1-related disorders.
Inborn genetic diseases. Identifiers: MedGen C0950123, MeSH D030342.

Allele frequency attached by ClinVar (database versions not stated): gnomAD 0.00001; ExAC 0.00003; gnomAD exomes 0.00004; TOPMed 0.00004; ESP Exome Variant Server 0.00009.
gnomAD v4.1: 43 of 1,208,924 alleles (0.0036%); highest among the groups gnomAD compares: East Asian, 0.027%; no homozygotes.

Submissions (2):

Ambry Genetics
Classification: Likely benign for Inborn genetic diseases. Last evaluated: 2018-07-27. Review status: criteria provided, single submitter. Criteria: Ambry Variant Classification Scheme 2023. Collection method: clinical testing. Allele origin: germline.

PreventionGenetics, part of Exact Sciences
Classification: Likely benign for FGD1-related condition. Last evaluated: 2023-05-31. Review status: no assertion criteria provided. Collection method: clinical testing. Allele origin: germline. Not counted in ClinVar's aggregate classification.
Comment: This variant is classified as likely benign based on ACMG/AMP sequence variant interpretation guidelines (Richards et al. 2015 PMID: 25741868, with internal and published modifications).

NM_004463.3(FGD1):c.2466C>T (p.Ser822=)

Genes: FGD1 (FYVE, RhoGEF and PH domain containing 1; minus strand), TSR2 (TSR2 ribosome maturation factor; plus strand). Cytogenetic location: Xp11.22.
Variant type: single nucleotide variant.
Coding change: c.2466C>T on transcript NM_004463.3 (MANE Select); coding-DNA position 2466, C replaced by T.
Protein change: p.Ser822=; no amino-acid change (serine 822 retained).
Molecular consequence: synonymous variant. On other transcripts: 3 prime UTR variant (5).
Genome position (GRCh38, 1-based): chrX:54,447,425, G>A on the plus strand (C>T on the coding strand, the complement: FGD1 is on the minus strand). VCF-style: chrX-54447425-G-A. GRCh37 (hg19) VCF-style: chrX-54473858-G-A.
Other names: c.*2875G>A (NM_001346789.2, NM_001346790.2, NM_001346791.2 and 2 more transcripts).
Identifiers: ClinVar variation 1791688 (VCV001791688.4), dbSNP rs376823676, ClinGen allele CA10424937.